The following is an entry in ClinVar:

ClinVar aggregate classification (germline): Likely pathogenic (1 of 4 stars; one submission).

Submission:

Dasa
Classification: Likely pathogenic. Last evaluated: 2025-01-07. Review status: criteria provided, single submitter. Criteria: DASA Assertion Criteria. Collection method: clinical testing. Allele origin: germline.
Comment: NM_032620.4(GTPBP3):c.424G>T (p.Glu142*) is a nonsense variant in GTPBP3 predicted to introduce a premature termination codon and is predicted to result in an absent or altered protein product. Loss of function is an established disease mechanism for GTPBP3-associated disorders. Also, this variant is absent from population databases. Based on the currently available evidence, this variant is classified as likely pathogenic.

NM_032620.4(GTPBP3):c.424G>T (p.Glu142Ter)

Gene: GTPBP3 (GTP binding protein 3, mitochondrial; plus strand). Cytogenetic location: 19p13.11.
Variant type: single nucleotide variant.
Coding change: c.424G>T on transcript NM_032620.4 (MANE Select); coding-DNA position 424, G replaced by T.
Protein change: p.Glu142Ter; replaces glutamic acid 142 with a stop codon.
Molecular consequence: nonsense.
Genome position (GRCh38, 1-based): chr19:17,338,574, G>T. VCF-style: chr19-17338574-G-T. GRCh37 (hg19) VCF-style: chr19-17449383-G-T.
Other names: c.424G>T, p.Glu142Ter (NM_001128855.3, NM_133644.4); c.490G>T, p.Glu164Ter (NM_001195422.1); short protein forms E142*, E164*.
Identifiers: ClinVar variation 4884213 (VCV004884213.2).
Genomic context (GRCh38, chr19:17,338,574, plus strand): 5'-GTGTCAGACTGGGACCTTCCTGCAGGCAGCGTGCCAGGGCTTCGACCGGCGGAGGCAGGC[G>T]AGTTCACCAGACGGGCGTTCGCCAATGGGAAGCTGAACCTGACCGAAGTGGAGGGGCTGG-3'